The following is an entry in ClinVar:

ClinVar aggregate classification (germline): Likely pathogenic. Review status: criteria provided, single submitter (1 of 4 stars). 2 submissions from 2 submitters: Likely pathogenic (1). 1 of the submissions does not count toward it. Last evaluated 2025-06-16.

Conditions:
Intellectual developmental disorder, X-linked 90. Also called: DLG3-Related X-Linked Nonsyndromic Mental Retardation; Intellectual disability, X-linked 90. Identifiers: Orphanet 777, MedGen C3275443, MONDO:0010452, OMIM 300850.

Submissions (2):

GeneDx
Classification: Likely pathogenic. Last evaluated: 2025-06-16. Review status: criteria provided, single submitter. Criteria: GeneDx Variant Classification Process June 2021. Collection method: clinical testing. Allele origin: germline. Affected: yes.
Comment: Intronic variant directly or indirectly altering the +5 splice site in a gene for which loss of function is a known mechanism of disease, and splice predictors support a deleterious effect; Not observed at significant frequency in large population cohorts (gnomAD); This variant is associated with the following publications: (PMID: 28777483, 15185169)

OMIM
Classification: Pathogenic for INTELLECTUAL DEVELOPMENTAL DISORDER, X-LINKED 90. Last evaluated: 2004-08-01. Review status: no assertion criteria provided. Collection method: literature only. Allele origin: germline. Not counted in ClinVar's aggregate classification.

Literature cited by the submitters: PubMed 15185169 (cited by OMIM).

NM_021120.4(DLG3):c.985+5G>A

Gene: DLG3 (discs large MAGUK scaffold protein 3; plus strand). Cytogenetic location: Xq13.1.
Variant type: single nucleotide variant.
Coding change: c.985+5G>A on transcript NM_021120.4 (MANE Select); 5 bases into the intron after coding-DNA position 985, G replaced by A.
Molecular consequence: intron variant.
Genome position (GRCh38, 1-based): chrX:70,450,788, G>A. VCF-style: chrX-70450788-G-A. GRCh37 (hg19) VCF-style: chrX-69670638-G-A.
Other names: IVS6DS, G-A, +5.
Identifiers: ClinVar variation 11518 (VCV000011518.4), dbSNP rs2147771642, ClinGen allele CA2573055384.